The following is an entry in ClinVar:

ClinVar aggregate classification (germline): Pathogenic/Likely pathogenic. Review status: criteria provided, multiple submitters, no conflicts (2 of 4 stars). 3 submissions from 3 submitters: Pathogenic (1); Likely pathogenic (2). Last evaluated 2024-07-17.

Conditions:
X-linked Alport syndrome (ATS1). Also called: NEPHROPATHY AND DEAFNESS, X-LINKED; COL4A5-Related Nephropathy. Identifiers: Orphanet 63, Orphanet 88917, MedGen C4746986, MONDO:0010520, OMIM 301050.

Submissions (3):

Labcorp Genetics (formerly Invitae), Labcorp
Classification: Pathogenic. Last evaluated: 2024-07-17. Review status: criteria provided, single submitter. Criteria: Invitae Variant Classification Sherloc (09022015). Collection method: clinical testing. Allele origin: germline.
Comment: This sequence change replaces glycine, which is neutral and non-polar, with aspartic acid, which is acidic and polar, at codon 1433 of the COL4A5 protein (p.Gly1433Asp). This variant is not present in population databases (gnomAD no frequency). This missense change has been observed in individuals with Alport syndrome (Invitae). ClinVar contains an entry for this variant (Variation ID: 996230). An algorithm developed to predict the effect of missense changes on protein structure and function (PolyPhen-2) suggests that this variant is likely to be disruptive. This variant disrupts the triple helix domain of COL4A5. Glycine residues within the Gly-Xaa-Yaa repeats of the triple helix domain are required for the structure and stability of fibrillar collagens (PMID: 7695699, 8218237, 19344236). In COL4A5, missense variants at these glycine residues are significantly enriched in individuals with disease (PMID: 23720012, 27627812) compared to the general population (ExAC). This variant disrupts the p.Gly1433 amino acid residue in COL4A5. Other variant(s) that disrupt this residue have been observed in individuals with COL4A5-related conditions (PMID: 21505094), which suggests that this may be a clinically significant amino acid residue. For these reasons, this variant has been classified as Pathogenic.

Fulgent Genetics
Classification: Likely pathogenic for X-linked Alport syndrome. Last evaluated: 2021-06-30. Review status: criteria provided, single submitter. Criteria: ACMG Guidelines, 2015. Collection method: clinical testing. Allele origin: unknown.
Comment: This variant has been detected in individual(s) who were sent for testing of Renasight - kidney gene panel.

Women's Health and Genetics/Laboratory Corporation of America, LabCorp
Classification: Likely pathogenic for X-linked Alport syndrome. Last evaluated: 2021-01-21. Review status: criteria provided, single submitter. Criteria: LabCorp Variant Classification Summary - May 2015. Collection method: clinical testing. Allele origin: germline.
Comment: Variant summary: COL4A5 c.4298G>A (p.Gly1433Asp) results in a non-conservative amino acid change located in the Collagen triple helix repeat region (IPR008160) of the encoded protein sequence and is predicted to disrupt the Gly-X-Y repeats in the collagenous domain of the collagen IV alpha 5 chain. Most COL4A5 mutations in patients with Alport syndrome have been reported to reside in the collagenous domain (Hertz, 2009 and HGMD database). This is further corroborated by the existence of a different nucleotide change, c.4298G>T (p.Gly1433Val) that has been observed in a patient with Alport syndrome (HGMD database, and Ma_2011, PMID 21505094). Five of five in-silico tools predict a damaging effect of the variant on protein function. This supports the rationale for this variant as being located in a mutational hot spot and/or a critical and well established functional domain of the COL4A5 gene. This variant also alters the conserved first nucleotide of exon 47 adjacent to the preceding intron 46 splice acceptor site of the COL4A5 gene. Several computational tools predict an impact on normal splicing: One predict the variant abolishes the canonical 3' acceptor site. Two predict the variant weakens the canonical 3' acceptor site. However, these predictions have yet to be confirmed by functional studies. The variant was absent in 182609 control chromosomes. To our knowledge, no occurrence of c.4298G>A in individuals affected with Alport Syndrome 1, X-Linked Recessive and no experimental evidence demonstrating its impact on protein function have been reported. Therefore, the impact of this variant on the molecular basis of disease cannot be unequivocally determined. No clinical diagnostic laboratories have submitted clinical-significance assessments for this variant to ClinVar after 2014. Based on the evidence outlined above, the variant was classified as likely pathogenic.

Literature cited by the submitters: PubMed 7695699 (cited by Labcorp Genetics (formerly Invitae), Labcorp); PubMed 8218237 (cited by Labcorp Genetics (formerly Invitae), Labcorp); PubMed 19344236 (cited by Labcorp Genetics (formerly Invitae), Labcorp); PubMed 23720012 (cited by Labcorp Genetics (formerly Invitae), Labcorp); PubMed 27627812 (cited by Labcorp Genetics (formerly Invitae), Labcorp); PubMed 21505094 (cited by Labcorp Genetics (formerly Invitae), Labcorp).

NM_033380.3(COL4A5):c.4316G>A (p.Gly1439Asp)

Gene: COL4A5 (collagen type IV alpha 5 chain; plus strand). Cytogenetic location: Xq22.3.
Variant type: single nucleotide variant.
Coding change: c.4316G>A on transcript NM_033380.3 (MANE Select); coding-DNA position 4316, G replaced by A.
Protein change: p.Gly1439Asp; replaces glycine 1439 with aspartic acid.
Molecular consequence: missense variant.
Genome position (GRCh38, 1-based): chrX:108,687,482, G>A. VCF-style: chrX-108687482-G-A. GRCh37 (hg19) VCF-style: chrX-107930712-G-A.
Other names: c.4298G>A, p.Gly1433Asp (NM_000495.5); short protein forms G1433D, G1439D.
Identifiers: ClinVar variation 996230 (VCV000996230.12), dbSNP rs281874735, ClinGen allele CA413853907.